The following is an entry in ClinVar:

ClinVar aggregate classification (germline): Likely benign. Review status: criteria provided, multiple submitters, no conflicts (2 of 4 stars). 2 submissions from 2 submitters: Likely benign (2). Last evaluated 2024-10-23.

Conditions:
Birt-Hogg-Dube syndrome 1 (BHD1). Also called: FIBROFOLLICULOMAS WITH TRICHODISCOMAS AND ACROCHORDONS. Identifiers: Orphanet 122, MedGen CN375946, MONDO:0800445, OMIM 135150.
Birt-Hogg-Dube syndrome. Also called: Birt Hogg Dubé syndrome. Identifiers: Orphanet 122, MedGen C0346010, MONDO:0800444.

Submissions (2):

Myriad Genetics, Inc.
Classification: Likely benign for Birt-Hogg-Dube syndrome 1. Last evaluated: 2024-10-23. Review status: criteria provided, single submitter. Criteria: Myriad Autosomal Dominant, Autosomal Recessive and X-Linked Classification Criteria (2023). Collection method: clinical testing. Allele origin: unknown.
Comment: This variant is considered likely benign. This variant is intronic and is not expected to impact mRNA splicing.

Labcorp Genetics (formerly Invitae), Labcorp
Classification: Likely benign for Birt-Hogg-Dube syndrome. Last evaluated: 2022-09-03. Review status: criteria provided, single submitter. Criteria: Invitae Variant Classification Sherloc (09022015). Collection method: clinical testing. Allele origin: germline.

NM_144997.7(FLCN):c.618+7T>A

Gene: FLCN (folliculin; minus strand). Cytogenetic location: 17p11.2.
Variant type: single nucleotide variant.
Coding change: c.618+7T>A on transcript NM_144997.7 (MANE Select); 7 bases into the intron after coding-DNA position 618, T replaced by A.
Molecular consequence: intron variant.
Genome position (GRCh38, 1-based): chr17:17,223,915, A>T on the plus strand (T>A on the coding strand, the complement: FLCN is on the minus strand). VCF-style: chr17-17223915-A-T. GRCh37 (hg19) VCF-style: chr17-17127229-A-T.
Other names: c.618+7T>A (NM_001353231.2, NM_001353230.2, NM_144606.7); c.672+7T>A (NM_001353229.2).
Identifiers: ClinVar variation 1928417 (VCV001928417.6), dbSNP rs2047169946, ClinGen allele CA2250422797.